The following is an entry in ClinVar:

NM_000834.5(GRIN2B):c.1500G>A (p.Glu500=)

Gene: GRIN2B (glutamate ionotropic receptor NMDA type subunit 2B; minus strand). Cytogenetic location: 12p13.1.
Variant type: single nucleotide variant.
Coding change: c.1500G>A on transcript NM_000834.5 (MANE Select); coding-DNA position 1500, G replaced by A.
Protein change: p.Glu500=; no amino-acid change (glutamic acid 500 retained).
Molecular consequence: synonymous variant.
Genome position (GRCh38, 1-based): chr12:13,615,493, C>T on the plus strand (G>A on the coding strand, the complement: GRIN2B is on the minus strand). VCF-style: chr12-13615493-C-T. GRCh37 (hg19) VCF-style: chr12-13768427-C-T.
Identifiers: ClinVar variation 2930781 (VCV002930781.4), dbSNP rs886049102, ClinGen allele CA10640555.

ClinVar aggregate classification (germline): Uncertain significance. Review status: criteria provided, multiple submitters, no conflicts (2 of 4 stars). 2 submissions from 2 submitters: Uncertain significance (2). Last evaluated 2024-12-02.

Conditions:
Intellectual developmental disorder, autosomal dominant 6, with or without seizures. Also called: GRIN2B-related developmental delay, intellectual disability and autism spectrum disorder; Intellectual disability, autosomal dominant 6. Identifiers: Orphanet 589547, MedGen C3151411, MONDO:0013509, OMIM 613970.
Developmental and epileptic encephalopathy, 27 (DEE27). Also called: Epileptic encephalopathy, early infantile, 27; GRIN2B-Related Neurodevelopmental Disorder. Identifiers: Orphanet 3451, MedGen C4015316, MONDO:0014505, OMIM 616139.

Allele frequency attached by ClinVar (database versions not stated): gnomAD exomes below 0.00001; TOPMed below 0.00001 and 0.00001; gnomAD 0.00001.
gnomAD v4.1: 2 of 1,611,590 alleles (0.00012%); highest among the groups gnomAD compares: Non-Finnish European, 0.00017%; no homozygotes.

Submissions (2):

Women's Health and Genetics/Laboratory Corporation of America, LabCorp
Classification: Uncertain significance. Last evaluated: 2024-12-02. Review status: criteria provided, single submitter. Criteria: LabCorp Variant Classification Summary - May 2015. Collection method: clinical testing. Allele origin: germline.
Comment: Variant summary: GRIN2B c.1500G>A (p.Glu500Glu) alters a conserved nucleotide located close to a canonical splice site and therefore could affect mRNA splicing, leading to a significantly altered protein sequence. Several computational tools predict a significant impact on normal splicing: Four predict the variant weakens a canonical 5' donor site. However, these predictions have yet to be confirmed by functional studies. The variant was absent in 251276 control chromosomes. The available data on variant occurrences in the general population are insufficient to allow any conclusion about variant significance. To our knowledge, no experimental evidence demonstrating an impact on protein function has been reported. ClinVar contains an entry for this variant (Variation ID: 2930781). Based on the evidence outlined above, the variant was classified as uncertain significance.

Labcorp Genetics (formerly Invitae), Labcorp
Classification: Uncertain significance for Developmental and epileptic encephalopathy, 27; Intellectual developmental disorder, autosomal dominant 6, with or without seizures. Last evaluated: 2024-03-03. Review status: criteria provided, single submitter. Criteria: Invitae Variant Classification Sherloc (09022015). Collection method: clinical testing. Allele origin: germline.
Comment: This sequence change affects codon 500 of the GRIN2B mRNA. It is a 'silent' change, meaning that it does not change the encoded amino acid sequence of the GRIN2B protein. This variant also falls at the last nucleotide of exon 6, which is part of the consensus splice site for this exon. This variant is not present in population databases (gnomAD no frequency). This variant has not been reported in the literature in individuals affected with GRIN2B-related conditions. Variants that disrupt the consensus splice site are a relatively common cause of aberrant splicing (PMID: 17576681, 9536098). Algorithms developed to predict the effect of sequence changes on RNA splicing suggest that this variant may create or strengthen a splice site. In summary, the available evidence is currently insufficient to determine the role of this variant in disease. Therefore, it has been classified as a Variant of Uncertain Significance.

Literature cited by the submitters: PubMed 17576681 (cited by Labcorp Genetics (formerly Invitae), Labcorp); PubMed 9536098 (cited by Labcorp Genetics (formerly Invitae), Labcorp).